The following is an entry in ClinVar:

NM_201596.3(CACNB2):c.1093G>T (p.Ala365Ser)

Gene: CACNB2 (calcium voltage-gated channel auxiliary subunit beta 2; plus strand). Cytogenetic location: 10p12.31.
Variant type: single nucleotide variant.
Coding change: c.1093G>T on transcript NM_201596.3 (MANE Select); coding-DNA position 1093, G replaced by T.
Protein change: p.Ala365Ser; replaces alanine 365 with serine.
Molecular consequence: missense variant.
Genome position (GRCh38, 1-based): chr10:18,534,114, G>T. VCF-style: chr10-18534114-G-T. GRCh37 (hg19) VCF-style: chr10-18823043-G-T.
Other names: c.928G>T, p.Ala310Ser (NM_000724.4); c.895G>T, p.Ala299Ser (NM_001167945.2); c.814G>T, p.Ala272Ser (NM_001330060.2); c.949G>T, p.Ala317Ser (NM_201570.3); c.1009G>T, p.Ala337Ser (NM_201571.4); c.937G>T, p.Ala313Ser (NM_201572.4); c.931G>T, p.Ala311Ser (NM_201590.3); c.979G>T, p.Ala327Ser (NM_201593.3); and 1 more; short protein forms A311S, A365S, A299S, A327S, A272S, A317S, A313S, A341S.
Identifiers: ClinVar variation 191434 (VCV000191434.1), dbSNP rs371232673, ClinGen allele CA236655.
Genomic context (GRCh38, chr10:18,534,114, plus strand): 5'-TGAATTGTTTCGCCCTTTACAGCGGAAGTTCAGAGTGAAATCGAAAGGATTTTTGAACTT[G>T]CAAGAACATTGCAGTTGGTGGTCCTTGACGCGGATACAATTAATCATCCAGCTCAACTCA-3'
Protein context (NP_963890.2, residues 355-375): QSEIERIFEL[Ala365Ser]RTLQLVVLDA

ClinVar aggregate classification (germline): Uncertain significance (1 of 4 stars; one submission).

Submission:

Biesecker Lab/Clinical Genomics Section, National Institutes of Health
Classification: Uncertain significance. Last evaluated: 2013-06-24. Review status: criteria provided, single submitter. Criteria: Ng et al. (Circ Cardiovasc Genet. 2013). Collection method: research. Allele origin: unknown. Observed: 1 variant allele. Study: ClinSeq.
Comment: The study set was not selected for affection status in relation to any cancer. Pathogenicity categories were based on literature curation. See Pubmed ID:23861362 for details.

Medical sequencing